The following is an entry in ClinVar:

ClinVar aggregate classification (germline): Uncertain significance (1 of 4 stars; one submission).

Conditions:
Cardiomyopathy (CMYO). Also called: Cardiomyopathies. Identifiers: Orphanet 167848, MedGen C0878544, MONDO:0004994, HP:0001638. Inheritance: Various modes of inheritance.

Submission:

Color Diagnostics, LLC DBA Color Health
Classification: Uncertain significance for Cardiomyopathy. Last evaluated: 2025-07-14. Review status: criteria provided, single submitter. Criteria: ACMG Guidelines, 2015. Collection method: clinical testing. Allele origin: germline.
Comment: This missense variant replaces methionine with leucine at codon 345 of the DSG2 protein. Computational prediction suggests that this variant may not impact protein structure and function. To our knowledge, functional studies have not been reported for this variant. This variant has not been reported in individuals affected with DSG2-related disorders in the literature. This variant has not been identified in the general population by the Genome Aggregation Database (gnomAD). The available evidence is insufficient to determine the role of this variant in disease conclusively. Therefore, this variant is classified as a Variant of Uncertain Significance.

NM_001943.5(DSG2):c.1033A>T (p.Met345Leu)

Gene: DSG2 (desmoglein 2; plus strand). Cytogenetic location: 18q12.1.
Variant type: single nucleotide variant.
Coding change: c.1033A>T on transcript NM_001943.5 (MANE Select); coding-DNA position 1033, A replaced by T.
Protein change: p.Met345Leu; replaces methionine 345 with leucine.
Molecular consequence: missense variant.
Genome position (GRCh38, 1-based): chr18:31,531,005, A>T. VCF-style: chr18-31531005-A-T. GRCh37 (hg19) VCF-style: chr18-29110968-A-T.
Other names: short protein forms M345L.
Identifiers: ClinVar variation 4757466 (VCV004757466.1).
Genomic context (GRCh38, chr18:31,531,005, plus strand): 5'-GTTTTCTCTTTGAAAAGAATTCCCTTTGGTTTTCCCTTTCAGGAAGTAGATTATGAAGAA[A>T]TGAAGAATCTTGACTTCAGTGTTATTGTCGCTAATAAAGCAGCTTTTCACAAGTCGATTA-3'
Protein context (NP_001934.2, residues 335-355): TLIKEVDYEE[Met345Leu]KNLDFSVIVA